The following is an entry in ClinVar:

ClinVar aggregate classification (germline): Uncertain significance (1 of 4 stars; one submission).

Conditions:
Inborn genetic diseases. Identifiers: MedGen C0950123, MeSH D030342.

gnomAD v4.1: 2 of 1,614,122 alleles (0.00012%); highest among the groups gnomAD compares: Admixed American, 0.0033%; no homozygotes.

Submission:

Ambry Genetics
Classification: Uncertain significance for Inborn genetic diseases. Last evaluated: 2025-10-28. Review status: criteria provided, single submitter. Criteria: Ambry Variant Classification Scheme 2023. Collection method: clinical testing. Allele origin: germline.
Comment: The c.644T>A (p.L215H) alteration is located in exon 2 (coding exon 1) of the KANSL1 gene. This alteration results from a T to A substitution at nucleotide position 644, causing the leucine (L) at amino acid position 215 to be replaced by a histidine (H). Based on data from gnomAD, the A allele has an overall frequency of <0.001% (1/251366) total alleles studied. The highest observed frequency was 0.003% (1/34570) of Latino alleles. Based on insufficient or conflicting evidence, the clinical significance of this alteration remains unclear.

NM_015443.4(KANSL1):c.644T>A (p.Leu215His)

Gene: KANSL1 (KAT8 regulatory NSL complex subunit 1). Cytogenetic location: 17q21.31.
Variant type: single nucleotide variant.
Coding change: c.644T>A on transcript NM_015443.4 (MANE Select); coding-DNA position 644, T replaced by A.
Protein change: p.Leu215His; replaces leucine 215 with histidine.
Molecular consequence: missense variant. On other transcripts: intron variant (4).
Genome position (GRCh38, 1-based): chr17:46,171,500, A>T on the plus strand (T>A on the coding strand, the complement: KANSL1 is on the minus strand). VCF-style: chr17-46171500-A-T. GRCh37 (hg19) VCF-style: chr17-44248866-A-T.
Other names: c.644T>A, p.Leu215His (NM_001405857.1, NM_001405858.1, NM_001405859.1 and 18 more transcripts); c.23+52171T>A (NM_001405885.1, NM_001405884.1, NM_001405883.1 and 1 more transcripts); short protein forms L215H.
Identifiers: ClinVar variation 4622432 (VCV004622432.1).